The following is an entry in ClinVar:

ClinVar aggregate classification (germline): Uncertain significance (1 of 4 stars; one submission).

Conditions:
Wilson disease (WND). Also called: Wilson's disease. Identifiers: Orphanet 905, MedGen C0019202, MONDO:0010200, OMIM 277900. Disease mechanism: loss of function.

Allele frequency attached by ClinVar (database versions not stated): gnomAD exomes below 0.00001; TOPMed below 0.00001; gnomAD 0.00001.
gnomAD v4.1: 5 of 1,614,044 alleles (0.00031%); highest among the groups gnomAD compares: Non-Finnish European, 0.00042%; no homozygotes.

Submission:

All of Us Research Program, National Institutes of Health
Classification: Uncertain significance for Wilson disease. Last evaluated: 2023-08-28. Review status: criteria provided, single submitter. Criteria: ACMG Guidelines, 2015. Collection method: clinical testing. Allele origin: germline. Inheritance: Autosomal recessive inheritance. Observed: 1 variant allele, 1 heterozygote.
Comment: This missense variant replaces glycine with valine at codon 848 of the ATP7B protein. Computational prediction suggests that this variant may have deleterious impact on protein structure and function (internally defined REVEL score threshold >= 0.7, PMID: 27666373). To our knowledge, functional studies have not been reported for this variant. This variant has not been reported in individuals affected with Wilson disease in the literature. This variant has been identified in 1/249532 chromosomes in the general population by the Genome Aggregation Database (gnomAD). The available evidence is insufficient to determine the role of this variant in disease conclusively. Therefore, this variant is classified as a Variant of Uncertain Significance.

This study involves interpretation of variants in research participants for the purpose of population health screening. Participant phenotype was not available at the time of variant classification. Additional details can be found in publication PMID: 35346344, PMCID: PMC8962531

NM_000053.4(ATP7B):c.2543G>T (p.Gly848Val)

Gene: ATP7B (ATPase copper transporting beta; minus strand). Cytogenetic location: 13q14.3.
Variant type: single nucleotide variant.
Coding change: c.2543G>T on transcript NM_000053.4 (MANE Select); coding-DNA position 2543, G replaced by T.
Protein change: p.Gly848Val; replaces glycine 848 with valine.
Molecular consequence: missense variant. On other transcripts: intron variant (1).
Genome position (GRCh38, 1-based): chr13:51,950,304, C>A on the plus strand (G>T on the coding strand, the complement: ATP7B is on the minus strand). VCF-style: chr13-51950304-C-A. GRCh37 (hg19) VCF-style: chr13-52524440-C-A.
Other names: c.2057G>T, p.Gly686Val (NM_001005918.3, NM_001406546.1, NM_001406541.1 and 1 more transcripts); c.2210G>T, p.Gly737Val (NM_001243182.2); c.2309G>T, p.Gly770Val (NM_001330578.2, NM_001406527.1, NM_001406528.1 and 2 more transcripts); c.2291G>T, p.Gly764Val (NM_001330579.2, NM_001406531.1, NM_001406532.1 and 1 more transcripts); c.2543G>T, p.Gly848Val (NM_001406511.1, NM_001406512.1, NM_001406523.1 and 7 more transcripts); c.2399G>T, p.Gly800Val (NM_001406522.1, NM_001406520.1, NM_001406521.1 and 1 more transcripts); c.2366G>T, p.Gly789Val (NM_001406524.1); c.2303G>T, p.Gly768Val (NM_001406530.1); and 8 more; short protein forms G632V, G654V, G686V, G705V, G732V, G737V, G738V, G764V.
Identifiers: ClinVar variation 3075610 (VCV003075610.1), dbSNP rs1265904666, ClinGen allele CA388016026.